The following is an entry in ClinVar:

NM_000310.4(PPT1):c.*901C>T

Gene: PPT1 (palmitoyl-protein thioesterase 1; minus strand). Cytogenetic location: 1p34.2.
Variant type: single nucleotide variant.
Coding change: c.*901C>T on transcript NM_000310.4 (MANE Select); 901 bases downstream of the stop codon, C replaced by T.
Molecular consequence: 3 prime UTR variant.
Genome position (GRCh38, 1-based): chr1:40,073,160, G>A on the plus strand (C>T on the coding strand, the complement: PPT1 is on the minus strand). VCF-style: chr1-40073160-G-A. GRCh37 (hg19) VCF-style: chr1-40538832-G-A.
Other names: c.*901C>T (NM_001142604.2, NM_001363695.2).
Identifiers: ClinVar variation 875872 (VCV000875872.4), dbSNP rs146411558, ClinGen allele CA20998069.
Genomic context (GRCh38, chr1:40,073,160, plus strand): 5'-GCTTTTTGAGCAAACAATCCTTTTCTCATGGAACACATCAGAAACAGTTTGGAGTATGCT[G>A]GTAAATGTGTTTTGGGGATGGAAGTCAGAAAGCCTGATCTTTTTCATATGGTTCCTCCTA-3'

ClinVar aggregate classification (germline): Likely benign (1 of 4 stars; one submission).

Conditions:
Neuronal ceroid lipofuscinosis 1 (CLN1). Also called: CEROID LIPOFUSCINOSIS, NEURONAL, 1, VARIABLE AGE AT ONSET; PPT1-Related Neuronal Ceroid-Lipofuscinosis. Identifiers: Orphanet 228329, MedGen C1850451, MONDO:0009744, OMIM 256730.

Allele frequency attached by ClinVar (database versions not stated): 1000 Genomes Project 0.00240; 1000 Genomes Project 30x 0.00265; gnomAD 0.00293 and 0.00313; TOPMed 0.00314.

Submission:

Illumina Laboratory Services, Illumina
Classification: Likely benign for Neuronal ceroid lipofuscinosis 1. Last evaluated: 2018-01-12. Review status: criteria provided, single submitter. Criteria: ICSL Variant Classification Criteria 13 December 2019. Collection method: clinical testing. Allele origin: germline.
Comment: This variant was observed in the ICSL laboratory as part of a predisposition screen in an ostensibly healthy population. It had not been previously curated by ICSL or reported in the Human Gene Mutation Database (HGMD: prior to June 1st, 2018), and was therefore a candidate for classification through an automated scoring system. Utilizing variant allele frequency, disease prevalence and penetrance estimates, and inheritance mode, an automated score was calculated to assess if this variant is too frequent to cause the disease. Based on the score and internal cut-off values, a variant classified as likely benign is not then subjected to further curation. The score for this variant resulted in a classification of likely benign for this disease.